The following is an entry in ClinVar:

ClinVar aggregate classification (germline): Uncertain significance (1 of 4 stars; one submission).

Allele frequency attached by ClinVar (database versions not stated): gnomAD exomes below 0.00001; ExAC 0.00001; TOPMed below 0.00001.
gnomAD v4.1: 2 of 1,614,006 alleles (0.00012%); highest among the groups gnomAD compares: Admixed American, 0.0017%; no homozygotes.

Submission:

Labcorp Genetics (formerly Invitae), Labcorp
Classification: Uncertain significance. Last evaluated: 2025-04-08. Review status: criteria provided, single submitter. Criteria: Invitae Variant Classification Sherloc (09022015). Collection method: clinical testing. Allele origin: germline.
Comment: This sequence change replaces lysine, which is basic and polar, with glutamic acid, which is acidic and polar, at codon 159 of the KCNK4 protein (p.Lys159Glu). This variant is present in population databases (rs745387431, gnomAD 0.0009%). This variant has not been reported in the literature in individuals affected with KCNK4-related conditions. ClinVar contains an entry for this variant (Variation ID: 2721094). An algorithm developed to predict the effect of missense changes on protein structure and function (PolyPhen-2) suggests that this variant is likely to be tolerated. In summary, the available evidence is currently insufficient to determine the role of this variant in disease. Therefore, it has been classified as a Variant of Uncertain Significance.

NM_033310.3(KCNK4):c.475A>G (p.Lys159Glu)

Genes: KCNK4 (potassium two pore domain channel subfamily K member 4; plus strand), KCNK4-CATSPERZ (KCNK4-CATSPERZ readthrough (NMD candidate); plus strand). Cytogenetic location: 11q13.1.
Variant type: single nucleotide variant.
Coding change: c.475A>G on transcript NM_033310.3 (MANE Select); coding-DNA position 475, A replaced by G.
Protein change: p.Lys159Glu; replaces lysine 159 with glutamic acid.
Molecular consequence: missense variant. On other transcripts: non-coding transcript variant (1).
Genome position (GRCh38, 1-based): chr11:64,297,467, A>G. VCF-style: chr11-64297467-A-G. GRCh37 (hg19) VCF-style: chr11-64064939-A-G.
Other names: c.475A>G, p.Lys159Glu (NM_001317090.2, NM_033311.1); short protein forms K159E.
Identifiers: ClinVar variation 2721094 (VCV002721094.3), dbSNP rs745387431, ClinGen allele CA6073079.